The following is an entry in ClinVar:

ClinVar aggregate classification (germline): Conflicting classifications of pathogenicity. Review status: criteria provided, conflicting classifications (1 of 4 stars). 6 submissions from 6 submitters: Pathogenic (1); Likely pathogenic (3); Uncertain significance (2). Last evaluated 2026-09-11.

Conditions:
MCCC1-related disorder. Also called: MCCC1-related condition.
Inborn genetic diseases. Identifiers: MedGen C0950123, MeSH D030342.
Methylcrotonyl-CoA carboxylase deficiency. Also called: Deficiency of methylcrotonoyl-CoA carboxylase; 3-MCC Deficiency; 3 Methylcrotonylglycinuria. Identifiers: Orphanet 6, MedGen C4551505, MONDO:0018950.
3-methylcrotonyl-CoA carboxylase 1 deficiency (MCC1D). Also called: MCCD TYPE 1; METHYLCROTONYLGLYCINURIA TYPE I; MCC 1 deficiency; 3 Alpha methylcrotonylglycinuria 1. Identifiers: Orphanet 6, MedGen CN028786, MONDO:0008861, OMIM 210200.

Allele frequency attached by ClinVar (database versions not stated): gnomAD 0.00004; gnomAD exomes 0.00004; ExAC 0.00005; TOPMed 0.00006; ESP Exome Variant Server 0.00008; 1000 Genomes Project 30x 0.00016; 1000 Genomes Project 0.00020.
gnomAD v4.1: 135 of 1,614,074 alleles (0.0084%); highest among the groups gnomAD compares: Non-Finnish European, 0.011%; no homozygotes.

Submissions (6):

PreventionGenetics, part of Exact Sciences
Classification: Likely pathogenic for MCCC1-related condition. Last evaluated: 2026-09-11. Review status: criteria provided, single submitter. Criteria: ACMG Guidelines, 2015. Collection method: clinical testing. Allele origin: germline.
Comment: The MCCC1 c.137G>A variant is predicted to result in the amino acid substitution p.Gly46Glu. This variant was reported along with a splice variant in an individual with 3-methylcrotonylglycinuria and 3-MCC enzyme activity reduced to ~5% (Nguyen et al. 2011. PubMed ID: 21071250). Internally, we have observed this variant along with a pathogenic variant in two unrelated individuals with abnormal newborn screen results consistent with 3-MCC deficiency (PreventionGenetics internal data). Of note, the c.137 nucleotide is the first nucleotide in exon 3 and is predicted to alter splicing based on available splicing prediction programs (SpliceAI, Jaganathan et al. 2019. PubMed ID: 30661751). However, the use of computer prediction programs is not equivalent to functional evidence. This variant is reported in 0.0070% of alleles in individuals of European (Non-Finnish) descent in gnomAD. This variant is interpreted as likely pathogenic.

Labcorp Genetics (formerly Invitae), Labcorp
Classification: Likely pathogenic for 3-methylcrotonyl-CoA carboxylase 1 deficiency. Last evaluated: 2025-12-10. Review status: criteria provided, single submitter. Criteria: Invitae Variant Classification Sherloc (09022015). Collection method: clinical testing. Allele origin: germline.
Comment: This sequence change replaces glycine, which is neutral and non-polar, with glutamic acid, which is acidic and polar, at codon 46 of the MCCC1 protein (p.Gly46Glu). This variant is present in population databases (rs199517715, gnomAD 0.007%). This missense change has been observed in individual(s) with 3-methylcrotonyl-CoA carboxylase deficiency (PMID: 21071250). In at least one individual the data is consistent with being in trans (on the opposite chromosome) from a pathogenic variant. ClinVar contains an entry for this variant (Variation ID: 203797). An algorithm developed to predict the effect of missense changes on protein structure and function (PolyPhen-2) suggests that this variant is likely to be tolerated. Algorithms developed to predict the effect of sequence changes on RNA splicing suggest that this variant may disrupt the consensus splice site. In summary, the currently available evidence indicates that the variant is pathogenic, but additional data are needed to prove that conclusively. Therefore, this variant has been classified as Likely Pathogenic.

Women's Health and Genetics/Laboratory Corporation of America, LabCorp
Classification: Likely pathogenic for Methylcrotonyl-CoA carboxylase deficiency. Last evaluated: 2025-08-15. Review status: criteria provided, single submitter. Criteria: LabCorp Variant Classification Summary - May 2015. Collection method: clinical testing. Allele origin: germline.
Comment: Variant summary: MCCC1 c.137G>A (p.Gly46Glu) results in a non-conservative amino acid change in the encoded protein sequence. Algorithms developed to predict the effect of missense changes on protein structure and function are either unavailable or do not agree on the potential impact of this missense change. Several computational tools predict a significant impact on normal splicing: One predict the variant abolishes a canonical 3' acceptor site. Two predict the variant weakens a canonical 3' acceptor site. However, these predictions have yet to be confirmed by functional studies. The variant allele was found at a frequency of 4e-05 in 251392 control chromosomes. This frequency is not significantly higher than estimated for a pathogenic variant in MCCC1 causing Methylcrotonyl-CoA Carboxylase Deficiency (4e-05 vs 0.0042), allowing no conclusion about variant significance. c.137G>A has been reported in the literature in individuals affected with Methylcrotonyl-CoA Carboxylase Deficiency (Nguyen_2011, Internal data). To our knowledge, no experimental evidence demonstrating an impact on protein function has been reported. The following publication has been ascertained in the context of this evaluation (PMID: 21071250). ClinVar contains an entry for this variant (Variation ID: 203797). Based on the evidence outlined above, the variant was classified as likely pathogenic.

Ambry Genetics
Classification: Uncertain significance for Inborn genetic diseases. Last evaluated: 2024-06-03. Review status: criteria provided, single submitter. Criteria: Ambry Variant Classification Scheme 2023. Collection method: clinical testing. Allele origin: germline.
Comment: Occurs in the first base pair of the exon Based on insufficient or conflicting evidence, the clinical significance of this alteration remains unclear.

Revvity Omics, Revvity
Classification: Uncertain significance for 3-methylcrotonyl-CoA carboxylase 1 deficiency. Last evaluated: 2023-10-13. Review status: criteria provided, single submitter. Criteria: ACMG Guidelines, 2015. Collection method: clinical testing. Allele origin: germline.

Center for Pediatric Genomic Medicine, Children's Mercy Hospital and Clinics
Classification: Pathogenic. Last evaluated: 2015-10-09. Review status: criteria provided, single submitter. Criteria: ACMG Guidelines, 2015. Collection method: clinical testing. Allele origin: germline.

Literature cited by the submitters: PubMed 21071250 (cited by 3 submitters).

NM_020166.5(MCCC1):c.137G>A (p.Gly46Glu)

Gene: MCCC1 (methylcrotonyl-CoA carboxylase subunit 1; minus strand). Cytogenetic location: 3q27.1.
Variant type: single nucleotide variant.
Coding change: c.137G>A on transcript NM_020166.5 (MANE Select); coding-DNA position 137, G replaced by A.
Protein change: p.Gly46Glu; replaces glycine 46 with glutamic acid.
Molecular consequence: missense variant. On other transcripts: non-coding transcript variant (1), intron variant (2).
Genome position (GRCh38, 1-based): chr3:183,092,545, C>T on the plus strand (G>A on the coding strand, the complement: MCCC1 is on the minus strand). VCF-style: chr3-183092545-C-T. GRCh37 (hg19) VCF-style: chr3-182810333-C-T.
Other names: c.-55+2014G>A (NM_001363880.1); c.44+2014G>A (NM_001293273.2); short protein forms G46E.
Identifiers: ClinVar variation 203797 (VCV000203797.14), dbSNP rs199517715, ClinGen allele CA312679.